The following is an entry in ClinVar:

NM_005337.5(NCKAP1L):c.2776C>T (p.Arg926Trp)

Gene: NCKAP1L (NCK associated protein 1 like; plus strand). Cytogenetic location: 12q13.2.
Variant type: single nucleotide variant.
Coding change: c.2776C>T on transcript NM_005337.5 (MANE Select); coding-DNA position 2776, C replaced by T.
Protein change: p.Arg926Trp; replaces arginine 926 with tryptophan.
Molecular consequence: missense variant.
Genome position (GRCh38, 1-based): chr12:54,531,820, C>T. VCF-style: chr12-54531820-C-T. GRCh37 (hg19) VCF-style: chr12-54925604-C-T.
Other names: c.2626C>T, p.Arg876Trp (NM_001184976.2); short protein forms R876W, R926W.
Identifiers: ClinVar variation 2180308 (VCV002180308.1), dbSNP rs147883757, ClinGen allele CA6609531.
Genomic context (GRCh38, chr12:54,531,820, plus strand): 5'-AAGCGCATGACCATCATTGGGGTTATCCTCAGTTTCAGGGCCATGGCCCAAGAGGGACTT[C>T]GGGAGGTGAGTTGGTGGGGAGGGGTCTGTCACAGAGTCACAGATACCTCTGTGGGTAGGG-3'
Protein context (NP_005328.2, residues 916-936): SFRAMAQEGL[Arg926Trp]EVFSSHCPFL

ClinVar aggregate classification (germline): Uncertain significance (1 of 4 stars; one submission).

Allele frequency attached by ClinVar (database versions not stated): ExAC 0.00007; gnomAD exomes 0.00007; TOPMed 0.00008; gnomAD 0.00009; ESP Exome Variant Server 0.00023.
gnomAD v4.1: 121 of 1,610,034 alleles (0.0075%); highest among the groups gnomAD compares: African/African-American, 0.016%; no homozygotes.

Submission:

Labcorp Genetics (formerly Invitae), Labcorp
Classification: Uncertain significance. Last evaluated: 2022-09-19. Review status: criteria provided, single submitter. Criteria: Invitae Variant Classification Sherloc (09022015). Collection method: clinical testing. Allele origin: germline.
Comment: This sequence change replaces arginine, which is basic and polar, with tryptophan, which is neutral and slightly polar, at codon 926 of the NCKAP1L protein (p.Arg926Trp). This variant is present in population databases (rs147883757, gnomAD 0.01%). This variant has not been reported in the literature in individuals affected with NCKAP1L-related conditions. Algorithms developed to predict the effect of missense changes on protein structure and function are either unavailable or do not agree on the potential impact of this missense change (SIFT: "Deleterious"; PolyPhen-2: "Possibly Damaging"; Align-GVGD: "Class C0"). In summary, the available evidence is currently insufficient to determine the role of this variant in disease. Therefore, it has been classified as a Variant of Uncertain Significance.